The following is an entry in ClinVar:

NM_005732.4(RAD50):c.2230G>C (p.Glu744Gln)

Gene: RAD50 (RAD50 double strand break repair protein; plus strand). Cytogenetic location: 5q31.1.
Variant type: single nucleotide variant.
Coding change: c.2230G>C on transcript NM_005732.4 (MANE Select); coding-DNA position 2230, G replaced by C.
Protein change: p.Glu744Gln; replaces glutamic acid 744 with glutamine.
Molecular consequence: missense variant.
Genome position (GRCh38, 1-based): chr5:132,603,322, G>C. VCF-style: chr5-132603322-G-C. GRCh37 (hg19) VCF-style: chr5-131939014-G-C.
Other names: short protein forms E744Q.
Identifiers: ClinVar variation 1058965 (VCV001058965.9), dbSNP rs2149846863, ClinGen allele CA360953824.

ClinVar aggregate classification (germline): Uncertain significance (1 of 4 stars; one submission).

Conditions:
Hereditary cancer-predisposing syndrome. Also called: Neoplastic Syndromes, Hereditary; Hereditary Cancer Syndrome; Hereditary neoplastic syndrome; Tumor predisposition. Identifiers: Orphanet 140162, MedGen C0027672, MeSH D009386, MONDO:0015356.

Submission:

Labcorp Genetics (formerly Invitae), Labcorp
Classification: Uncertain significance for Hereditary cancer-predisposing syndrome. Last evaluated: 2020-10-15. Review status: criteria provided, single submitter. Criteria: Invitae Variant Classification Sherloc (09022015). Collection method: clinical testing. Allele origin: germline.
Comment: This variant is not present in population databases (ExAC no frequency). This sequence change replaces glutamic acid with glutamine at codon 744 of the RAD50 protein (p.Glu744Gln). The glutamic acid residue is moderately conserved and there is a small physicochemical difference between glutamic acid and glutamine. This variant has not been reported in the literature in individuals with RAD50-related conditions. In summary, the available evidence is currently insufficient to determine the role of this variant in disease. Therefore, it has been classified as a Variant of Uncertain Significance. Algorithms developed to predict the effect of missense changes on protein structure and function are either unavailable or do not agree on the potential impact of this missense change (SIFT: "Tolerated"; PolyPhen-2: "Possibly Damaging"; Align-GVGD: "Class C0").